The following is an entry in ClinVar:

NM_000095.3(COMP):c.-9G>T

Gene: COMP (cartilage oligomeric matrix protein; minus strand). Cytogenetic location: 19p13.11.
Variant type: single nucleotide variant.
Coding change: c.-9G>T on transcript NM_000095.3 (MANE Select); 9 bases upstream of the start codon, G replaced by T.
Molecular consequence: 5 prime UTR variant.
Genome position (GRCh38, 1-based): chr19:18,791,278, C>A on the plus strand (G>T on the coding strand, the complement: COMP is on the minus strand). VCF-style: chr19-18791278-C-A. GRCh37 (hg19) VCF-style: chr19-18902087-C-A.
Identifiers: ClinVar variation 328632 (VCV000328632.6), dbSNP rs186562511, ClinGen allele CA9316869.

ClinVar aggregate classification (germline): Benign/Likely benign. Review status: criteria provided, multiple submitters, no conflicts (2 of 4 stars). 3 submissions from 2 submitters: Benign (2); Likely benign (1). Last evaluated 2026-05-12.

Conditions:
Multiple epiphyseal dysplasia type 1. Also called: COMP-Related Multiple Epiphyseal Dysplasia. Identifiers: Orphanet 93308, MedGen C1838280, MONDO:0007561, OMIM 132400.
Pseudoachondroplastic spondyloepiphyseal dysplasia syndrome (PSACH). Also called: COMP-Related Pseudoachondroplasia; PSEUDOACHONDROPLASTIC DYSPLASIA; Pseudoachondroplasia. Identifiers: Orphanet 750, MedGen C0410538, MONDO:0008322, OMIM 177170.

Allele frequency attached by ClinVar (database versions not stated): ESP Exome Variant Server 0.00101; 1000 Genomes Project 0.00120; gnomAD 0.00123; TOPMed 0.00127; ExAC 0.00128; 1000 Genomes Project 30x 0.00141.
gnomAD v4.1: 3,223 of 1,587,594 alleles (0.2%); highest among the groups gnomAD compares: Non-Finnish European, 0.25%; 10 homozygotes.

Submissions (3):

Women's Health and Genetics/Laboratory Corporation of America, LabCorp
Classification: Benign. Last evaluated: 2026-05-12. Review status: criteria provided, single submitter. Criteria: LabCorp Variant Classification Summary - May 2015. Collection method: clinical testing. Allele origin: germline.

Illumina Laboratory Services, Illumina
Classification: Likely benign for Multiple epiphyseal dysplasia type 1. Last evaluated: 2018-01-13. Review status: criteria provided, single submitter. Criteria: ICSL Variant Classification Criteria 13 December 2019. Collection method: clinical testing. Allele origin: germline.
Comment: This variant was observed in the ICSL laboratory as part of a predisposition screen in an ostensibly healthy population. It had not been previously curated by ICSL or reported in the Human Gene Mutation Database (HGMD: prior to June 1st, 2018), and was therefore a candidate for classification through an automated scoring system. Utilizing variant allele frequency, disease prevalence and penetrance estimates, and inheritance mode, an automated score was calculated to assess if this variant is too frequent to cause the disease. Based on the score and internal cut-off values, a variant classified as likely benign is not then subjected to further curation. The score for this variant resulted in a classification of likely benign for this disease.

Illumina Laboratory Services, Illumina
Classification: Benign for Pseudoachondroplastic spondyloepiphyseal dysplasia syndrome. Last evaluated: 2018-01-13. Review status: criteria provided, single submitter. Criteria: ICSL Variant Classification Criteria 13 December 2019. Collection method: clinical testing. Allele origin: germline.
Comment: This variant was observed in the ICSL laboratory as part of a predisposition screen in an ostensibly healthy population. It had not been previously curated by ICSL or reported in the Human Gene Mutation Database (HGMD: prior to June 1st, 2018), and was therefore a candidate for classification through an automated scoring system. Utilizing variant allele frequency, disease prevalence and penetrance estimates, and inheritance mode, an automated score was calculated to assess if this variant is too frequent to cause the disease. Based on the score and internal cut-off values, a variant classified as benign is not then subjected to further curation. The score for this variant resulted in a classification of benign for this disease.